The following is an entry in ClinVar:

ClinVar aggregate classification (germline): Pathogenic (1 of 4 stars; one submission).

Conditions:
Hereditary hemochromatosis (HFE). Identifiers: MedGen C0392514, MONDO:0006507. Disease mechanism: loss of function.

Submission:

Labcorp Genetics (formerly Invitae), Labcorp
Classification: Pathogenic for Hereditary hemochromatosis. Last evaluated: 2023-10-14. Review status: criteria provided, single submitter. Criteria: Invitae Variant Classification Sherloc (09022015). Collection method: clinical testing. Allele origin: germline.
Comment: This sequence change creates a premature translational stop signal (p.Arg161Glyfs*50) in the HFE gene. It is expected to result in an absent or disrupted protein product. Loss-of-function variants in HFE are known to be pathogenic (PMID: 27518069). This variant is present in population databases (rs777018511, gnomAD 0.006%). This premature translational stop signal has been observed in individual(s) with hemochromatosis (PMID: 12542741). This variant is also known as HFE*13 and P160ΔC. ClinVar contains an entry for this variant (Variation ID: 1072713). For these reasons, this variant has been classified as Pathogenic.

Literature cited by the submitters: PubMed 27518069; PubMed 12542741.

NM_000410.4(HFE):c.480del (p.Arg161fs)

Gene: HFE (homeostatic iron regulator; plus strand). Cytogenetic location: 6p22.2.
Variant type: Deletion.
Coding change: c.480del on transcript NM_000410.4 (MANE Select); coding-DNA position 480, one base deleted (C; older notation c.480delC).
Protein change: p.Arg161fs; shifts the reading frame from arginine 161.
Molecular consequence: frameshift variant. On other transcripts: intron variant (4).
Genome position (GRCh38, 1-based): chr6:26,091,453, C deleted; the last of 3 consecutive C bases (chr6:26,091,451-26,091,453); deleting any one gives the same sequence. VCF-style (leftmost placement, unchanged base first): chr6-26091450-AC-A. GRCh37 (hg19) VCF-style: chr6-26091678-AC-A.
Other names: c.480delC, p.Arg161Glyfs (NM_001300749.3, NM_001406751.1); c.480del, p.Arg161fs (NM_001384164.1, NM_139006.3); c.216delC, p.Arg73Glyfs (NM_001406752.1); c.216del, p.Arg73fs (NM_139007.3, NM_139008.3); c.411del, p.Arg138fs (NM_139009.3); c.340+349del (NM_139004.3, NM_139003.3); c.77-1232del (NM_139010.3); c.77-1666del (NM_139011.3); short protein forms R138fs, R161fs, R73fs.
Identifiers: ClinVar variation 1072713 (VCV001072713.11), dbSNP rs777018511, ClinGen allele CA3666656.
Genomic context (GRCh38, chr6:26,091,450, plus strand): 5'-GTATGATGGGCAGGACCACCTTGAATTCTGCCCTGACACACTGGATTGGAGAGCAGCAGA[AC>A]CCAGGGCCTGGCCCACCAAGCTGGAGTGGGAAAGGCACAAGATTCGGGCCAGGCAGAACA-3'